The following is an entry in ClinVar:

ClinVar aggregate classification (germline): Uncertain significance (1 of 4 stars; one submission).

Conditions:
Combined immunodeficiency due to DOCK8 deficiency (HIES2). Also called: HYPER-IgE SYNDROME 2, AUTOSOMAL RECESSIVE, WITH RECURRENT INFECTIONS; HIES autosomal recessive; Hyper-IgE recurrent infection syndrome, autosomal recessive; HYPER-IgE RECURRENT INFECTION SYNDROME 2, AUTOSOMAL RECESSIVE; DOCK8 Deficiency. Identifiers: Orphanet 217390, MedGen C4722305, MONDO:0009478, OMIM 243700.

gnomAD v4.1: 2 of 1,614,098 alleles (0.00012%); highest among the groups gnomAD compares: African/African-American, 0.0013%; no homozygotes.

Submission:

Labcorp Genetics (formerly Invitae), Labcorp
Classification: Uncertain significance for Combined immunodeficiency due to DOCK8 deficiency. Last evaluated: 2025-10-28. Review status: criteria provided, single submitter. Criteria: Invitae Variant Classification Sherloc (09022015). Collection method: clinical testing. Allele origin: germline.
Comment: This sequence change replaces phenylalanine, which is neutral and non-polar, with valine, which is neutral and non-polar, at codon 627 of the DOCK8 protein (p.Phe627Val). This variant is present in population databases (no rsID available, gnomAD 0.01%). This variant has not been reported in the literature in individuals affected with DOCK8-related conditions. Invitae Evidence Modeling of protein sequence and biophysical properties (such as structural, functional, and spatial information, amino acid conservation, physicochemical variation, residue mobility, and thermodynamic stability) has been performed for this missense variant. However, the output from this modeling did not meet the statistical confidence thresholds required to predict the impact of this variant on DOCK8 protein function. In summary, the available evidence is currently insufficient to determine the role of this variant in disease. Therefore, it has been classified as a Variant of Uncertain Significance.

NM_203447.4(DOCK8):c.1879T>G (p.Phe627Val)

Gene: DOCK8 (dedicator of cytokinesis 8; plus strand). Cytogenetic location: 9p24.3.
Variant type: single nucleotide variant.
Coding change: c.1879T>G on transcript NM_203447.4 (MANE Select); coding-DNA position 1879, T replaced by G.
Protein change: p.Phe627Val; replaces phenylalanine 627 with valine.
Molecular consequence: missense variant.
Genome position (GRCh38, 1-based): chr9:371,438, T>G. VCF-style: chr9-371438-T-G. GRCh37 (hg19) VCF-style: chr9-371438-T-G.
Other names: c.1675T>G, p.Phe559Val (NM_001190458.2, NM_001193536.2); short protein forms F627V, F559V.
Identifiers: ClinVar variation 4705096 (VCV004705096.1).